The following is an entry in ClinVar:

NM_001195263.2(PDZD7):c.773T>A (p.Val258Asp)

Gene: PDZD7 (PDZ domain containing 7; minus strand). Cytogenetic location: 10q24.31.
Variant type: single nucleotide variant.
Coding change: c.773T>A on transcript NM_001195263.2 (MANE Select); coding-DNA position 773, T replaced by A.
Protein change: p.Val258Asp; replaces valine 258 with aspartic acid.
Molecular consequence: missense variant.
Genome position (GRCh38, 1-based): chr10:101,021,892, A>T on the plus strand (T>A on the coding strand, the complement: PDZD7 is on the minus strand). VCF-style: chr10-101021892-A-T. GRCh37 (hg19) VCF-style: chr10-102781649-A-T.
Other names: c.773T>A, p.Val258Asp (NM_001351044.2, NM_024895.5); short protein forms V258D.
Identifiers: ClinVar variation 968784 (VCV000968784.9), dbSNP rs1853126480, ClinGen allele CA378229799.
Genomic context (GRCh38, chr10:101,021,892, plus strand): 5'-AGCACCTCCACGGCCTGGCTGTGGCTGATGTCGTCAAACCTGACACCGTTGGCTGCCAGG[A>T]CCTGGTCCCCCACCTTGATGCCATTCTCCTCGGCCAGCCCACCATGGTCCACTCTGAGGC-3'
Protein context (NP_001182192.1, residues 248-268): EENGIKVGDQ[Val258Asp]LAANGVRFDD

ClinVar aggregate classification (germline): Uncertain significance (1 of 4 stars; one submission).

Submission:

Labcorp Genetics (formerly Invitae), Labcorp
Classification: Uncertain significance. Last evaluated: 2020-01-03. Review status: criteria provided, single submitter. Criteria: Invitae Variant Classification Sherloc (09022015). Collection method: clinical testing. Allele origin: germline.
Comment: In summary, the available evidence is currently insufficient to determine the role of this variant in disease. Therefore, it has been classified as a Variant of Uncertain Significance. Algorithms developed to predict the effect of missense changes on protein structure and function are either unavailable or do not agree on the potential impact of this missense change (SIFT: "Deleterious"; PolyPhen-2: "Not Available"; Align-GVGD: "Class C45"). This variant has not been reported in the literature in individuals with PDZD7-related conditions. This variant is not present in population databases (ExAC no frequency). This sequence change replaces valine with aspartic acid at codon 258 of the PDZD7 protein (p.Val258Asp). The valine residue is highly conserved and there is a large physicochemical difference between valine and aspartic acid.